The following is an entry in ClinVar:

NM_000037.4(ANK1):c.5395-1147C>G

Gene: ANK1 (ankyrin 1; minus strand). Cytogenetic location: 8p11.21.
Variant type: single nucleotide variant.
Coding change: c.5395-1147C>G on transcript NM_000037.4 (MANE Select); 1147 bases into the intron before coding-DNA position 5395, C replaced by G.
Molecular consequence: intron variant. On other transcripts: missense variant (3).
Genome position (GRCh38, 1-based): chr8:41,664,889, G>C on the plus strand (C>G on the coding strand, the complement: ANK1 is on the minus strand). VCF-style: chr8-41664889-G-C. GRCh37 (hg19) VCF-style: chr8-41522407-G-C.
Other names: c.135C>G, p.Asp45Glu (NM_001142445.2, NM_020478.5, NM_020480.5); c.5518-1147C>G (NM_001142446.2); c.4909-1147C>G (NM_020477.3); c.5395-1147C>G (NM_020475.3, NM_020476.3); c.135C>G (NM_020478.4); short protein forms D45E.
Identifiers: ClinVar variation 769742 (VCV000769742.25), dbSNP rs112350393, ClinGen allele CA4727236.

ClinVar aggregate classification (germline): Benign. Review status: criteria provided, multiple submitters, no conflicts (2 of 4 stars). 5 submissions from 5 submitters: Benign (4). 1 of the submissions does not count toward it. Last evaluated 2025-07-25.

Conditions:
Hereditary spherocytosis type 1. Also called: Spherocytosis type 1; ANK1-Related Spherocytosis. Identifiers: Orphanet 822, MedGen C2674218, MONDO:0008447, OMIM 182900.
ANK1-related disorder. Also called: ANK1-related condition.

Allele frequency attached by ClinVar (database versions not stated): gnomAD exomes 0.00260 and 0.00761; ExAC 0.00929; gnomAD 0.02832 and 0.03054; 1000 Genomes Project 0.02935; ESP Exome Variant Server 0.03145; 1000 Genomes Project 30x 0.03154; TOPMed 0.03240.
gnomAD v4.1: 8,275 of 1,614,146 alleles (0.51%); highest among the groups gnomAD compares: African/African-American, 9.6%; 353 homozygotes.

Submissions (5):

ARUP Laboratories, Molecular Genetics and Genomics, ARUP Laboratories
Classification: Benign for Hereditary spherocytosis type 1. Last evaluated: 2025-07-25. Review status: criteria provided, single submitter. Criteria: ARUP Molecular Germline Variant Investigation Process 2024. Collection method: clinical testing. Allele origin: germline.

Genome-Nilou Lab
Classification: Benign for Hereditary spherocytosis type 1. Last evaluated: 2021-12-05. Review status: criteria provided, single submitter. Criteria: ACMG Guidelines, 2015. Collection method: clinical testing. Allele origin: germline. Affected: no.

Labcorp Genetics (formerly Invitae), Labcorp
Classification: Benign. Last evaluated: 2019-12-31. Review status: criteria provided, single submitter. Criteria: Invitae Variant Classification Sherloc (09022015). Collection method: clinical testing. Allele origin: germline.

Breakthrough Genomics
Classification: Benign. Review status: criteria provided, single submitter. Criteria: ACMG Guidelines, 2015. Collection method: not provided. Allele origin: germline. Inheritance: Autosomal dominant inheritance. Affected: yes.

PreventionGenetics, part of Exact Sciences
Classification: Benign for ANK1-related condition. Last evaluated: 2019-03-28. Review status: no assertion criteria provided. Collection method: clinical testing. Allele origin: germline. Not counted in ClinVar's aggregate classification.
Comment: This variant is classified as benign based on ACMG/AMP sequence variant interpretation guidelines (Richards et al. 2015 PMID: 25741868, with internal and published modifications).